The following is an entry in ClinVar:

NM_198253.3(TERT):c.274G>C (p.Gly92Arg)

Gene: TERT (telomerase reverse transcriptase; minus strand). Cytogenetic location: 5p15.33.
Variant type: single nucleotide variant.
Coding change: c.274G>C on transcript NM_198253.3 (MANE Select); coding-DNA position 274, G replaced by C.
Protein change: p.Gly92Arg; replaces glycine 92 with arginine.
Molecular consequence: missense variant. On other transcripts: non-coding transcript variant (2).
Genome position (GRCh38, 1-based): chr5:1,294,612, C>G on the plus strand (G>C on the coding strand, the complement: TERT is on the minus strand). VCF-style: chr5-1294612-C-G. GRCh37 (hg19) VCF-style: chr5-1294727-C-G.
Other names: c.274G>C, p.Gly92Arg (NM_001193376.3); short protein forms G92R.
Identifiers: ClinVar variation 3967326 (VCV003967326.1).

ClinVar aggregate classification (germline): Uncertain significance (1 of 4 stars; one submission).

Conditions:
Dyskeratosis congenita. Identifiers: Orphanet 1775, MedGen C0265965, MONDO:0015780.

gnomAD v4.1: 1 of 1,595,638 alleles (0.000063%); highest among the groups gnomAD compares: Non-Finnish European, 0.000085%; no homozygotes.

Submission:

Ambry Genetics
Classification: Uncertain significance for Dyskeratosis congenita. Last evaluated: 2025-03-22. Review status: criteria provided, single submitter. Criteria: Ambry Variant Classification Scheme 2023. Collection method: clinical testing. Allele origin: germline.
Comment: The p.G92R variant (also known as c.274G>C), located in coding exon 2 of the TERT gene, results from a G to C substitution at nucleotide position 274. The glycine at codon 92 is replaced by arginine, an amino acid with dissimilar properties. This amino acid position is conserved. In addition, this alteration is predicted to be tolerated by in silico analysis. Based on the available evidence, the clinical significance of this variant remains unclear.